The following is an entry in ClinVar:

NM_001184.4(ATR):c.1379G>C (p.Ser460Thr)

Gene: ATR (ATR serine/threonine kinase; minus strand). Cytogenetic location: 3q23.
Variant type: single nucleotide variant.
Coding change: c.1379G>C on transcript NM_001184.4 (MANE Select); coding-DNA position 1379, G replaced by C.
Protein change: p.Ser460Thr; replaces serine 460 with threonine.
Molecular consequence: missense variant. On other transcripts: intron variant (1).
Genome position (GRCh38, 1-based): chr3:142,560,425, C>G on the plus strand (G>C on the coding strand, the complement: ATR is on the minus strand). VCF-style: chr3-142560425-C-G. GRCh37 (hg19) VCF-style: chr3-142279267-C-G.
Other names: c.1349+818G>C (NM_001354579.2); short protein forms S460T.
Identifiers: ClinVar variation 3463035 (VCV003463035.1).
Genomic context (GRCh38, chr3:142,560,425, plus strand): 5'-CTGTATTCAAGGGAAATCTGAAGGGATTCAGCTTTCTGTTTCAGTGCACTCCATAATATG[C>G]TCTTTTGGTTCATGTCCACATGTTTAATTCTATAATTATGAATATAGTAGAGAGATATTC-3'
Protein context (NP_001175.2, residues 450-470): EIKHVDMNQK[Ser460Thr]ILWSALKQKA

ClinVar aggregate classification (germline): Uncertain significance (1 of 4 stars; one submission).

Conditions:
Inborn genetic diseases. Identifiers: MedGen C0950123, MeSH D030342.

Submission:

Ambry Genetics
Classification: Uncertain significance for Inborn genetic diseases. Last evaluated: 2024-10-12. Review status: criteria provided, single submitter. Criteria: Ambry Variant Classification Scheme 2023. Collection method: clinical testing. Allele origin: germline.
Comment: The p.S460T variant (also known as c.1379G>C), located in coding exon 6 of the ATR gene, results from a G to C substitution at nucleotide position 1379. The serine at codon 460 is replaced by threonine, an amino acid with similar properties. This amino acid position is conserved. In addition, this alteration is predicted to be tolerated by in silico analysis. Based on the available evidence, the clinical significance of this variant remains unclear.